The following is an entry in ClinVar:

ClinVar aggregate classification (germline): Uncertain significance (1 of 4 stars; one submission).

Submission:

Labcorp Genetics (formerly Invitae), Labcorp
Classification: Uncertain significance. Last evaluated: 2025-10-02. Review status: criteria provided, single submitter. Criteria: Invitae Variant Classification Sherloc (09022015). Collection method: clinical testing. Allele origin: germline.
Comment: This sequence change replaces aspartic acid, which is acidic and polar, with asparagine, which is neutral and polar, at codon 1078 of the PHIP protein (p.Asp1078Asn). This variant is not present in population databases (gnomAD no frequency). This variant has not been reported in the literature in individuals affected with PHIP-related conditions. Invitae Evidence Modeling of protein sequence and biophysical properties (such as structural, functional, and spatial information, amino acid conservation, physicochemical variation, residue mobility, and thermodynamic stability) has been performed for this missense variant. However, the output from this modeling did not meet the statistical confidence thresholds required to predict the impact of this variant on PHIP protein function. In summary, the available evidence is currently insufficient to determine the role of this variant in disease. Therefore, it has been classified as a Variant of Uncertain Significance.

NM_017934.7(PHIP):c.3232G>A (p.Asp1078Asn)

Genes: IRAK1BP1 (interleukin 1 receptor associated kinase 1 binding protein 1; plus strand), PHIP (PHIP subunit of CUL4-Ring ligase complex; minus strand). Cytogenetic location: 6q14.1.
Variant type: single nucleotide variant.
Coding change: c.3232G>A on transcript NM_017934.7 (MANE Select); coding-DNA position 3232, G replaced by A.
Protein change: p.Asp1078Asn; replaces aspartic acid 1078 with asparagine.
Molecular consequence: missense variant.
Genome position (GRCh38, 1-based): chr6:78,966,030, C>T on the plus strand (G>A on the coding strand, the complement: PHIP is on the minus strand). VCF-style: chr6-78966030-C-T. GRCh37 (hg19) VCF-style: chr6-79675747-C-T.
Other names: short protein forms D1078N.
Identifiers: ClinVar variation 4746732 (VCV004746732.1).